The following is an entry in ClinVar:

ClinVar aggregate classification (germline): Pathogenic (1 of 4 stars; one submission).

Conditions:
Peutz-Jeghers syndrome (PJS). Also called: Peutz-Jeghers polyposis; Periorificial lentiginosis syndrome; POLYPOSIS, HAMARTOMATOUS INTESTINAL; POLYPS-AND-SPOTS SYNDROME. Identifiers: Orphanet 2869, MedGen C0031269, MeSH D010580, MONDO:0008280, OMIM 175200.

Submission:

Labcorp Genetics (formerly Invitae), Labcorp
Classification: Pathogenic for Peutz-Jeghers syndrome. Last evaluated: 2016-12-28. Review status: criteria provided, single submitter. Criteria: Invitae Variant Classification Sherloc (09022015). Collection method: clinical testing. Allele origin: germline.
Comment: This variant is a gross deletion of the genomic region encompassing exon 7 of the STK11 gene. This creates a premature translational stop signal and is expected to result in an absent or disrupted protein product. While this particular variant has not been reported in the literature, truncating variants in STK11 are known to be pathogenic (PMID: 15188174, 16287113). For these reasons, this variant has been classified as Pathogenic.

NC_000019.10:g.(?_1221949)_(1222006_?)del

Gene: STK11 (serine/threonine kinase 11; plus strand). Cytogenetic location: 19p13.3.
Variant type: Deletion.
Identifiers: ClinVar variation 417312 (VCV000417312.1).